The following is an entry in ClinVar:

ClinVar aggregate classification (germline): Uncertain significance (1 of 4 stars; one submission).

Conditions:
Hereditary cancer-predisposing syndrome. Also called: Tumor predisposition; Hereditary Cancer Syndrome; Hereditary neoplastic syndrome; Neoplastic Syndromes, Hereditary. Identifiers: Orphanet 140162, MedGen C0027672, MeSH D009386, MONDO:0015356.

Submission:

Ambry Genetics
Classification: Uncertain significance for Hereditary cancer-predisposing syndrome. Last evaluated: 2023-08-23. Review status: criteria provided, single submitter. Criteria: Ambry Variant Classification Scheme 2023. Collection method: clinical testing. Allele origin: germline.
Comment: The p.I377T variant (also known as c.1130T>C), located in coding exon 1 of the MET gene, results from a T to C substitution at nucleotide position 1130. The isoleucine at codon 377 is replaced by threonine, an amino acid with similar properties. This amino acid position is well conserved in available vertebrate species. In addition, this alteration is predicted to be tolerated by in silico analysis. Since supporting evidence is limited at this time, the clinical significance of this alteration remains unclear.

NM_000245.4(MET):c.1130T>C (p.Ile377Thr)

Gene: MET (MET proto-oncogene, receptor tyrosine kinase; plus strand). Cytogenetic location: 7q31.2.
Variant type: single nucleotide variant.
Coding change: c.1130T>C on transcript NM_000245.4 (MANE Select); coding-DNA position 1130, T replaced by C.
Protein change: p.Ile377Thr; replaces isoleucine 377 with threonine.
Molecular consequence: missense variant. On other transcripts: intron variant (1).
Genome position (GRCh38, 1-based): chr7:116,700,214, T>C. VCF-style: chr7-116700214-T-C. GRCh37 (hg19) VCF-style: chr7-116340268-T-C.
Other names: c.1130T>C, p.Ile377Thr (NM_001127500.3, NM_001324401.3); c.-91+27637T>C (NM_001324402.2); short protein forms I377T.
Identifiers: ClinVar variation 2587490 (VCV002587490.2), dbSNP rs1791521654, ClinGen allele CA368970605.
Genomic context (GRCh38, chr7:116,700,214, plus strand): 5'-TGGATCGATCTGCCATGTGTGCATTCCCTATCAAATATGTCAACGACTTCTTCAACAAGA[T>C]CGTCAACAAAAACAATGTGAGATGTCTCCAGCATTTTTACGGACCCAATCATGAGCACTG-3'
Protein context (NP_000236.2, residues 367-387): IKYVNDFFNK[Ile377Thr]VNKNNVRCLQ